The following is an entry in ClinVar:

ClinVar aggregate classification (germline): Conflicting classifications of pathogenicity. Review status: criteria provided, conflicting classifications (1 of 4 stars). 2 submissions from 2 submitters: Uncertain significance (1); Likely benign (1). Last evaluated 2025-10-21.

Conditions:
Inborn genetic diseases. Identifiers: MedGen C0950123, MeSH D030342.

Submissions (2):

Ambry Genetics
Classification: Uncertain significance for Inborn genetic diseases. Last evaluated: 2025-10-21. Review status: criteria provided, single submitter. Criteria: Ambry Variant Classification Scheme 2023. Collection method: clinical testing. Allele origin: germline.
Comment: The p.G321R variant (also known as c.961G>C), located in coding exon 6 of the ERCC6L2 gene, results from a G to C substitution at nucleotide position 961. The glycine at codon 321 is replaced by arginine, an amino acid with dissimilar properties. This amino acid position is conserved. In addition, this alteration is predicted to be deleterious by in silico analysis. Based on the available evidence, the clinical significance of this variant remains unclear.

Blueprint Genetics
Classification: Likely benign. Last evaluated: 2021-10-07. Review status: criteria provided, single submitter. Criteria: ACMG Guidelines, 2015. Collection method: clinical testing. Allele origin: germline.

NM_020207.7(ERCC6L2):c.961G>C (p.Gly321Arg)

Gene: ERCC6L2 (ERCC excision repair 6 like 2; plus strand). Cytogenetic location: 9q22.32.
Variant type: single nucleotide variant.
Coding change: c.961G>C on transcript NM_020207.7 (MANE Select); coding-DNA position 961, G replaced by C.
Protein change: p.Gly321Arg; replaces glycine 321 with arginine.
Molecular consequence: missense variant. On other transcripts: non-coding transcript variant (1).
Genome position (GRCh38, 1-based): chr9:95,916,237, G>C. VCF-style: chr9-95916237-G-C. GRCh37 (hg19) VCF-style: chr9-98678519-G-C.
Other names: c.961G>C, p.Gly321Arg (NM_001010895.4, NM_001375291.1, NM_001375292.1 and 2 more transcripts); short protein forms G321R.
Identifiers: ClinVar variation 4618735 (VCV004618735.2).